The following is an entry in ClinVar:

ClinVar aggregate classification (germline): Likely benign (1 of 4 stars; one submission).

Conditions:
Hypercholesterolemia, autosomal dominant, 3 (FHCL3). Also called: Familial Hypercholesterolemia, Autosomal Dominant, 3; PCSK9-Related Familial Hypercholesterolemia, Autosomal Dominant; Familial hypercholesterolemia 3. Identifiers: MedGen C1863551, MONDO:0011369, OMIM 603776.

Submission:

All of Us Research Program, National Institutes of Health
Classification: Likely benign for Hypercholesterolemia, autosomal dominant, 3. Last evaluated: 2024-04-25. Review status: criteria provided, single submitter. Criteria: ACMG Guidelines, 2015. Collection method: clinical testing. Allele origin: germline. Inheritance: Autosomal dominant inheritance. Observed: 1 variant allele, 1 heterozygote.
Comment: This study involves interpretation of variants in research participants for the purpose of population health screening. Participant phenotype was not available at the time of variant classification. Additional details can be found in publication PMID: 35346344, PMCID: PMC8962531

NM_174936.4(PCSK9):c.1327_1334del (p.Ala443fs)

Gene: PCSK9 (proprotein convertase subtilisin/kexin type 9; plus strand). Cytogenetic location: 1p32.3.
Variant type: Deletion.
Coding change: c.1327_1334del on transcript NM_174936.4 (MANE Select); coding-DNA positions 1327 to 1334, 8 bases deleted (GCCCTGCC; older notation c.1327_1334delGCCCTGCC).
Protein change: p.Ala443fs; shifts the reading frame from alanine 443.
Molecular consequence: frameshift variant. On other transcripts: non-coding transcript variant (5), intron variant (2).
Genome position (GRCh38, 1-based): chr1:55,058,182-55,058,189, GCCCTGCC deleted; deleting any 8 consecutive bases within chr1:55,058,179-55,058,189 gives the same sequence; the c. name uses the placement nearest the transcript's 3' end. VCF-style (leftmost placement, unchanged base first): chr1-55058178-GGCCGCCCT-G. GRCh37 (hg19) VCF-style: chr1-55523851-GGCCGCCCT-G.
Other names: c.1181-317_1181-310del (NM_001407244.1); c.1180+668_1180+675del (NM_001407247.1); c.1450_1457del, p.Ala484fs (NM_001407240.1); c.1327_1334del, p.Ala443fs (NM_001407241.1); c.1330_1337del, p.Ala444fs (NM_001407242.1); c.1270_1277del, p.Ala424fs (NM_001407243.1); c.1135_1142del, p.Ala379fs (NM_001407245.1); c.952_959del, p.Ala318fs (NM_001407246.1); short protein forms A318fs, A379fs, A424fs, A443fs, A444fs, A484fs.
Identifiers: ClinVar variation 3387447 (VCV003387447.1).
Genomic context (GRCh38, chr1:55,058,178, plus strand): 5'-AGATGTCATCAATGAGGCCTGGTTCCCTGAGGACCAGCGGGTACTGACCCCCAACCTGGT[GGCCGCCCT>G]GCCCCCCAGCACCCATGGGGCAGGTAAGCAGGATGGCAGGGTGGGCAAGTCCAGGCTGGG-3'